The following is an entry in ClinVar:

NM_004370.6(COL12A1):c.4589T>A (p.Met1530Lys)

Gene: COL12A1 (collagen type XII alpha 1 chain; minus strand). Cytogenetic location: 6q13.
Variant type: single nucleotide variant.
Coding change: c.4589T>A on transcript NM_004370.6 (MANE Select); coding-DNA position 4589, T replaced by A.
Protein change: p.Met1530Lys; replaces methionine 1530 with lysine.
Molecular consequence: missense variant.
Genome position (GRCh38, 1-based): chr6:75,145,427, A>T on the plus strand (T>A on the coding strand, the complement: COL12A1 is on the minus strand). VCF-style: chr6-75145427-A-T. GRCh37 (hg19) VCF-style: chr6-75855143-A-T.
Other names: c.1097T>A, p.Met366Lys (NM_080645.3); short protein forms M1530K, M366K.
Identifiers: ClinVar variation 963814 (VCV000963814.10), dbSNP rs1767128506, ClinGen allele CA364743160.
Genomic context (GRCh38, chr6:75,145,427, plus strand): 5'-TGCAGGACAGCCTGGACTGTGACTGCATACTCCGTGTTGGGAACAAGGTCAGTCAGCTGC[A>T]TGTCATTCACTGTTGGCCCCAAACGCACCTGCACATGGATATGTGGAGCAGAAATAAGAT-3'
Protein context (NP_004361.3, residues 1520-1540): EVRLGPTVND[Met1530Lys]QLTDLVPNTE

ClinVar aggregate classification (germline): Uncertain significance (1 of 4 stars; one submission).

Conditions:
Ullrich congenital muscular dystrophy 2 (UCMD2). Identifiers: Orphanet 75840, MedGen C4225314, MONDO:0014654, OMIM 616470.
Bethlem myopathy 2 (BTHLM2). Identifiers: Orphanet 536516, Orphanet 610, MedGen C4225313, MONDO:0034022, OMIM 616471.

Allele frequency attached by ClinVar (database versions not stated): gnomAD exomes below 0.00001.

Submission:

Labcorp Genetics (formerly Invitae), Labcorp
Classification: Uncertain significance for Bethlem myopathy 2; Ullrich congenital muscular dystrophy 2. Last evaluated: 2025-08-05. Review status: criteria provided, single submitter. Criteria: Invitae Variant Classification Sherloc (09022015). Collection method: clinical testing. Allele origin: germline.
Comment: This sequence change replaces methionine, which is neutral and non-polar, with lysine, which is basic and polar, at codon 1530 of the COL12A1 protein (p.Met1530Lys). This variant is not present in population databases (gnomAD no frequency). This variant has not been reported in the literature in individuals affected with COL12A1-related conditions. ClinVar contains an entry for this variant (Variation ID: 963814). Invitae Evidence Modeling of protein sequence and biophysical properties (such as structural, functional, and spatial information, amino acid conservation, physicochemical variation, residue mobility, and thermodynamic stability) indicates that this missense variant is not expected to disrupt COL12A1 protein function with a negative predictive value of 80%. In summary, the available evidence is currently insufficient to determine the role of this variant in disease. Therefore, it has been classified as a Variant of Uncertain Significance.